The following is an entry in ClinVar:

NM_000051.4(ATM):c.497-14_497-13insC

Gene: ATM (ATM serine/threonine kinase; plus strand). Cytogenetic location: 11q22.3.
Variant type: Insertion.
Coding change: c.497-14_497-13insC on transcript NM_000051.4 (MANE Select); 14 bases into the intron before coding-DNA position 497 through 13 bases into the intron before coding-DNA position 497, C inserted.
Molecular consequence: intron variant.
Genome position: GRCh38 VCF-style: chr11-108243939-T-TC. GRCh37 (hg19) VCF-style: chr11-108114666-T-TC.
Other names: c.497-14_497-13insC (NM_001351834.2).
Identifiers: ClinVar variation 490594 (VCV000490594.12), dbSNP rs776788385, ClinGen allele CA6264622.

ClinVar aggregate classification (germline): Likely benign. Review status: criteria provided, multiple submitters, no conflicts (2 of 4 stars). 3 submissions from 3 submitters: Likely benign (3). Last evaluated 2024-04-19.

Conditions:
Hereditary cancer-predisposing syndrome. Also called: Tumor predisposition; Neoplastic Syndromes, Hereditary; Hereditary Cancer Syndrome; Hereditary neoplastic syndrome. Identifiers: Orphanet 140162, MedGen C0027672, MeSH D009386, MONDO:0015356.
Familial cancer of breast. Also called: BREAST CANCER, FAMILIAL; hereditary breast carcinoma; Hereditary breast cancer. Identifiers: Orphanet 227535, MedGen C0346153, MONDO:0016419, OMIM 114480. Disease mechanism: loss of function.
Ataxia-telangiectasia syndrome (AT). Also called: Ataxia-telangiectasia; Ataxia-telangiectasia, complementation group D; AT, COMPLEMENTATION GROUP C; LOUIS-BAR SYNDROME; Cerebello-oculocutaneous telangiectasia; Immunodeficiency with ataxia telangiectasia. Identifiers: Orphanet 100, MedGen C0004135, MONDO:0008840, OMIM 208900.

Allele frequency attached by ClinVar (database versions not stated): gnomAD exomes below 0.00001 and 0.00001; TOPMed below 0.00001; gnomAD 0.00001; ExAC below 0.00001.

Submissions (3):

Myriad Genetics, Inc.
Classification: Likely benign for Familial cancer of breast. Last evaluated: 2024-04-19. Review status: criteria provided, single submitter. Criteria: Myriad Autosomal Dominant, Autosomal Recessive and X-Linked Classification Criteria (2023). Collection method: clinical testing. Allele origin: unknown.
Comment: This variant is considered likely benign. This variant is intronic and is not expected to impact mRNA splicing.

Labcorp Genetics (formerly Invitae), Labcorp
Classification: Likely benign for Ataxia-telangiectasia syndrome. Last evaluated: 2020-11-09. Review status: criteria provided, single submitter. Criteria: Invitae Variant Classification Sherloc (09022015). Collection method: clinical testing. Allele origin: germline.

Color Diagnostics, LLC DBA Color Health
Classification: Likely benign for Hereditary cancer-predisposing syndrome. Last evaluated: 2017-03-13. Review status: criteria provided, single submitter. Criteria: ACMG Guidelines, 2015. Collection method: clinical testing. Allele origin: germline.